The following is an entry in ClinVar:

ClinVar aggregate classification (germline): Conflicting classifications of pathogenicity. Review status: criteria provided, conflicting classifications (1 of 4 stars). 17 submissions from 17 submitters: Uncertain significance (1); Benign (4); Likely benign (6). 6 of the submissions do not count toward it. Last evaluated 2026-07-08.

Conditions:
USH2A-related disorder. Also called: USH2A-related disorders; USH2A-related condition. Identifiers: MedGen CN239332.
Progressive cone dystrophy (without rod involvement). Identifiers: MedGen C0271092.
Retinitis pigmentosa 39 (RP39). Identifiers: Orphanet 791, MedGen C3151138, MONDO:0013436, OMIM 613809.
Usher syndrome type 2A. Also called: USHER SYNDROME, TYPE IIA; RETINAL DISEASE IN USHER SYNDROME TYPE IIA, MODIFIER OF. Identifiers: Orphanet 231178, Orphanet 886, MedGen C1848634, MONDO:0010169, OMIM 276901.

Allele frequency attached by ClinVar (database versions not stated): 1000 Genomes Project 30x 0.00109; 1000 Genomes Project 0.00120; TOPMed 0.00281; gnomAD 0.00334 and 0.00356; gnomAD exomes 0.00343 and 0.00385; ExAC 0.00350; ESP Exome Variant Server 0.00361.
gnomAD v4.1: 6,100 of 1,614,022 alleles (0.38%); highest among the groups gnomAD compares: Non-Finnish European, 0.43%; 15 homozygotes.

Submissions (17):

PreventionGenetics, part of Exact Sciences
Classification: Benign for USH2A-related condition. Last evaluated: 2026-07-08. Review status: criteria provided, single submitter. Criteria: ACMG Guidelines, 2015. Collection method: clinical testing. Allele origin: germline.
Comment: This variant is classified as benign based on ACMG/AMP sequence variant interpretation guidelines (Richards et al. 2015 PMID: 25741868, with internal and published modifications).

CeGaT Center for Human Genetics Tuebingen
Classification: Likely benign. Last evaluated: 2026-04-01. Review status: criteria provided, single submitter. Criteria: CeGaT Center For Human Genetics Tuebingen Variant Classification Criteria Version 2. Collection method: clinical testing. Allele origin: germline. Affected: yes. Observed: 18 variant alleles.
Comment: USH2A: BP4, BS2

Labcorp Genetics (formerly Invitae), Labcorp
Classification: Benign. Last evaluated: 2026-02-04. Review status: criteria provided, single submitter. Criteria: Invitae Variant Classification Sherloc (09022015). Collection method: clinical testing. Allele origin: germline.

Blueprint Genetics
Classification: Likely benign. Last evaluated: 2024-11-21. Review status: criteria provided, single submitter. Criteria: ACMG Guidelines, 2015. Collection method: clinical testing. Allele origin: germline.

Genome-Nilou Lab
Classification: Likely benign for Usher syndrome type 2A. Last evaluated: 2021-05-18. Review status: criteria provided, single submitter. Criteria: ACMG Guidelines, 2015. Collection method: clinical testing. Allele origin: germline. Affected: no.

ARUP Laboratories, Molecular Genetics and Genomics, ARUP Laboratories
Classification: Likely benign. Last evaluated: 2021-02-05. Review status: criteria provided, single submitter. Criteria: ARUP Molecular Germline Variant Investigation Process 2021. Collection method: clinical testing. Allele origin: germline.

Athena Diagnostics
Classification: Likely benign. Last evaluated: 2020-07-24. Review status: criteria provided, single submitter. Criteria: Athena Diagnostics Criteria. Collection method: clinical testing. Allele origin: unknown.

GeneDx
Classification: Benign. Last evaluated: 2018-10-15. Review status: criteria provided, single submitter. Criteria: GeneDx Variant Classification Process June 2021. Collection method: clinical testing. Allele origin: germline. Affected: yes.
Comment: This variant is associated with the following publications: (PMID: 28653555, 32707200, 22004887, 20507924, 25333064, 26164827, 25262649, 22681893, 30245029)

Eurofins Ntd Llc (ga)
Classification: Likely benign. Last evaluated: 2017-07-31. Review status: criteria provided, single submitter. Criteria: EGL Classification Definitions 2015. Collection method: clinical testing. Allele origin: germline. Observed: 2 variant alleles, 2 heterozygotes.

Genomic Diagnostic Laboratory, Division of Genomic Diagnostics, Children's Hospital of Philadelphia
Classification: Uncertain significance. Last evaluated: 2015-02-05. Review status: criteria provided, single submitter. Criteria: DGD Variant Analysis Guidelines. Collection method: clinical testing. Allele origin: unknown.

Laboratory for Molecular Medicine, Mass General Brigham Personalized Medicine
Classification: Benign. Last evaluated: 2012-04-17. Review status: criteria provided, single submitter. Criteria: LMM Criteria. Collection method: clinical testing. Allele origin: germline. Observed: 8 variant alleles.
Comment: Tyr1992Cys in exon 30 of USH2A: This variant is not expected to have clinical si gnificance because it has been identified in 0.4% (30/7020) of European American chromosomes and 0.2% (9/3738) of African American chromosomes in a broad popula tion by the NHLBI Exome sequencing project (d bSNP rs41303287).

Natera, Inc.
Classification: Likely benign for Usher syndrome type 2A. Last evaluated: 2019-12-30. Review status: no assertion criteria provided. Collection method: clinical testing. Allele origin: germline. Not counted in ClinVar's aggregate classification.

Department of Clinical Genetics, Copenhagen University Hospital, Rigshospitalet
Classification: Uncertain significance for Progressive cone dystrophy (without rod involvement). Last evaluated: 2018-04-01. Review status: no assertion criteria provided. Collection method: research. Allele origin: unknown. Affected: yes. Study: VeluxRD. Not counted in ClinVar's aggregate classification.

Counsyl
Classification: Likely benign for Usher syndrome type 2A; Retinitis pigmentosa 39. Last evaluated: 2017-09-15. Review status: no assertion criteria provided. Collection method: clinical testing. Allele origin: unknown. Not counted in ClinVar's aggregate classification.

Clinical Genetics DNA and cytogenetics Diagnostics Lab, Erasmus MC, Erasmus Medical Center
Classification: Likely benign. Review status: no assertion criteria provided. Collection method: clinical testing. Allele origin: germline. Affected: yes. Study: VKGL Data-share Consensus. Not counted in ClinVar's aggregate classification.

Clinical Genetics, Academic Medical Center
Classification: Likely benign. Review status: no assertion criteria provided. Collection method: clinical testing. Allele origin: germline. Affected: yes. Study: VKGL Data-share Consensus. Not counted in ClinVar's aggregate classification.

Joint Genome Diagnostic Labs from Nijmegen and Maastricht, Radboudumc and MUMC+
Classification: Benign. Review status: no assertion criteria provided. Collection method: clinical testing. Allele origin: germline. Affected: yes. Study: VKGL Data-share Consensus. Not counted in ClinVar's aggregate classification.

Literature cited by the submitters: PubMed 22681893 (cited by Athena Diagnostics and Eurofins Ntd Llc (ga)); PubMed 22004887 (cited by 3 submitters); PubMed 20801516 (cited by Athena Diagnostics and Counsyl); PubMed 20591486 (cited by Athena Diagnostics and Counsyl); PubMed 20507924 (cited by 3 submitters); PubMed 26164827 (cited by Athena Diagnostics and Counsyl); PubMed 25999674 (cited by Athena Diagnostics and Eurofins Ntd Llc (ga)); PubMed 25333064 (cited by 3 submitters); PubMed 30718709 (cited by Department of Clinical Genetics, Copenhagen University Hospital, Rigshospitalet).

NM_206933.4(USH2A):c.5975A>G (p.Tyr1992Cys)

Gene: USH2A (usherin; minus strand). Cytogenetic location: 1q41.
Variant type: single nucleotide variant.
Coding change: c.5975A>G on transcript NM_206933.4 (MANE Select); coding-DNA position 5975, A replaced by G.
Protein change: p.Tyr1992Cys; replaces tyrosine 1992 with cysteine.
Molecular consequence: missense variant.
Genome position (GRCh38, 1-based): chr1:216,070,175, T>C on the plus strand (A>G on the coding strand, the complement: USH2A is on the minus strand). VCF-style: chr1-216070175-T-C. GRCh37 (hg19) VCF-style: chr1-216243517-T-C.
Other names: short protein forms Y1992C.
Identifiers: ClinVar variation 48547 (VCV000048547.68), dbSNP rs41303287, ClinGen allele CA248657.